The following is an entry in ClinVar:

NM_000455.5(STK11):c.921-1G>A

Gene: STK11 (serine/threonine kinase 11; plus strand). Cytogenetic location: 19p13.3.
Variant type: single nucleotide variant.
Coding change: c.921-1G>A on transcript NM_000455.5 (MANE Select); the canonical splice acceptor site of the intron before coding-DNA position 921, G replaced by A.
Molecular consequence: splice acceptor variant.
Genome position (GRCh38, 1-based): chr19:1,222,984, G>A. VCF-style: chr19-1222984-G-A. GRCh37 (hg19) VCF-style: chr19-1222983-G-A.
Other names: c.921-1G>A (NM_001407255.1).
Identifiers: ClinVar variation 2138180 (VCV002138180.4), dbSNP rs398123406, ClinGen allele CA402951415.
Genomic context (GRCh38, chr19:1,222,984, plus strand): 5'-CGGAAAACTGGACCGCCCTGGTGCCAGCCTGACAGGCGCCACTGCTTCTGGGCGTTTGCA[G>A]CTGGTTCCGGAAGAAACATCCTCCGGCTGAAGCACCAGTGCCCATCCCACCGAGCCCAGA-3'

ClinVar aggregate classification (germline): Pathogenic (1 of 4 stars; one submission).

Conditions:
Peutz-Jeghers syndrome (PJS). Also called: POLYPOSIS, HAMARTOMATOUS INTESTINAL; POLYPS-AND-SPOTS SYNDROME; Peutz-Jeghers polyposis; Periorificial lentiginosis syndrome. Identifiers: Orphanet 2869, MedGen C0031269, MeSH D010580, MONDO:0008280, OMIM 175200.

Submission:

Labcorp Genetics (formerly Invitae), Labcorp
Classification: Pathogenic for Peutz-Jeghers syndrome. Last evaluated: 2024-02-17. Review status: criteria provided, single submitter. Criteria: Invitae Variant Classification Sherloc (09022015). Collection method: clinical testing. Allele origin: germline.
Comment: This sequence change affects an acceptor splice site in intron 7 of the STK11 gene. RNA analysis indicates that disruption of this splice site induces altered splicing and may result in an absent or disrupted protein product. This variant is not present in population databases (gnomAD no frequency). Disruption of this splice site has been observed in individuals with Peutz-Jeghers syndrome (PMID: 23415580, 23426006, 30334930). ClinVar contains an entry for this variant (Variation ID: 2138180). Studies have shown that disruption of this splice site results in activation of cryptic splice sites and introduces a premature termination codon (Invitae). The resulting mRNA is expected to undergo nonsense-mediated decay. For these reasons, this variant has been classified as Pathogenic.

Literature cited by the submitters: PubMed 23415580; PubMed 23426006; PubMed 30334930.